The following is an entry in ClinVar:

NM_138694.4(PKHD1):c.889T>C (p.Cys297Arg)

Gene: PKHD1 (PKHD1 ciliary IPT domain containing fibrocystin/polyductin; minus strand). Cytogenetic location: 6p12.2.
Variant type: single nucleotide variant.
Coding change: c.889T>C on transcript NM_138694.4 (MANE Select); coding-DNA position 889, T replaced by C.
Protein change: p.Cys297Arg; replaces cysteine 297 with arginine.
Molecular consequence: missense variant.
Genome position (GRCh38, 1-based): chr6:52,065,042, A>G on the plus strand (T>C on the coding strand, the complement: PKHD1 is on the minus strand). VCF-style: chr6-52065042-A-G. GRCh37 (hg19) VCF-style: chr6-51929840-A-G.
Other names: c.889T>C, p.Cys297Arg (NM_170724.3); short protein forms C297R.
Identifiers: ClinVar variation 578269 (VCV000578269.1), dbSNP rs1231976944, ClinGen allele CA364429780.
Genomic context (GRCh38, chr6:52,065,042, plus strand): 5'-CTTTTCCTGGAGCCCGAGTGGTGCACTCAATCTTCCTGGGAGACACGTGTCTAATATCAC[A>G]TGGAATGCCTAAAGCGAATTAAAGAAATTTATGTATGTGTGTGTGTGTAGGTATACATAT-3'
Protein context (NP_619639.3, residues 287-307): SAQVTIAGIP[Cys297Arg]DIRHVSPRKI

ClinVar aggregate classification (germline): Uncertain significance (1 of 4 stars; one submission).

Conditions:
Autosomal recessive polycystic kidney disease (ARPKD). Also called: AR polycystic kidney disease. Identifiers: Orphanet 731, Orphanet 8378, MedGen C0085548, MeSH D017044, MONDO:0009889.

Submission:

Labcorp Genetics (formerly Invitae), Labcorp
Classification: Uncertain significance for Autosomal recessive polycystic kidney disease. Last evaluated: 2018-01-18. Review status: criteria provided, single submitter. Criteria: Invitae Variant Classification Sherloc (09022015). Collection method: clinical testing. Allele origin: germline.
Comment: This sequence change replaces cysteine with arginine at codon 297 of the PKHD1 protein (p.Cys297Arg). The cysteine residue is highly conserved and there is a large physicochemical difference between cysteine and arginine. This variant is not present in population databases (ExAC no frequency). This variant has not been reported in the literature in individuals with PKHD1-related disease. Algorithms developed to predict the effect of missense changes on protein structure and function do not agree on the potential impact of this missense change (SIFT: "Deleterious"; PolyPhen-2: "Probably Damaging"; Align-GVGD: "Class C0"). A different missense substitution at this codon (p.Cys297Ser) has been reportedÂ¬â€  in trans with a pathogenic variantÂ¬â€ in an individual affected with autosomal recessive polycystic kidney disease (PMID: 27577217). In summary, the available evidence is currently insufficient to determine the role of this variant in disease. Therefore, it has been classified as a Variant of Uncertain Significance.

Literature cited by the submitters: PubMed 27577217.